The following is an entry in ClinVar:

ClinVar aggregate classification (germline): Uncertain significance. Review status: criteria provided, multiple submitters, no conflicts (2 of 4 stars). 2 submissions from 2 submitters: Uncertain significance (2). Last evaluated 2024-08-12.

Conditions:
Rubinstein-Taybi syndrome due to EP300 haploinsufficiency. Also called: RUBINSTEIN-TAYBI SYNDROME 2; EP300-Related Rubinstein-Taybi Syndrome. Identifiers: Orphanet 353284, Orphanet 783, MedGen C3150941, MONDO:0013364, OMIM 613684.

Allele frequency attached by ClinVar (database versions not stated): gnomAD exomes below 0.00001.

Submissions (2):

Labcorp Genetics (formerly Invitae), Labcorp
Classification: Uncertain significance for Rubinstein-Taybi syndrome due to EP300 haploinsufficiency. Last evaluated: 2024-08-12. Review status: criteria provided, single submitter. Criteria: Invitae Variant Classification Sherloc (09022015). Collection method: clinical testing. Allele origin: germline.
Comment: This sequence change replaces arginine, which is basic and polar, with tryptophan, which is neutral and slightly polar, at codon 1837 of the EP300 protein (p.Arg1837Trp). This variant is not present in population databases (gnomAD no frequency). This variant has not been reported in the literature in individuals affected with EP300-related conditions. ClinVar contains an entry for this variant (Variation ID: 1311881). Advanced modeling of protein sequence and biophysical properties (such as structural, functional, and spatial information, amino acid conservation, physicochemical variation, residue mobility, and thermodynamic stability) performed at Invitae indicates that this missense variant is not expected to disrupt EP300 protein function with a negative predictive value of 80%. In summary, the available evidence is currently insufficient to determine the role of this variant in disease. Therefore, it has been classified as a Variant of Uncertain Significance.

GeneDx
Classification: Uncertain significance. Last evaluated: 2020-04-03. Review status: criteria provided, single submitter. Criteria: GeneDx Variant Classification Process June 2021. Collection method: clinical testing. Allele origin: germline. Affected: yes.
Comment: Not observed in large population cohorts (Lek et al., 2016); In silico analysis supports that this missense variant has a deleterious effect on protein structure/function; Has not been previously published as pathogenic or benign to our knowledge

NM_001429.4(EP300):c.5509C>T (p.Arg1837Trp)

Gene: EP300 (EP300 lysine acetyltransferase; plus strand). Cytogenetic location: 22q13.2.
Variant type: single nucleotide variant.
Coding change: c.5509C>T on transcript NM_001429.4 (MANE Select); coding-DNA position 5509, C replaced by T.
Protein change: p.Arg1837Trp; replaces arginine 1837 with tryptophan.
Molecular consequence: missense variant.
Genome position (GRCh38, 1-based): chr22:41,177,220, C>T. VCF-style: chr22-41177220-C-T. GRCh37 (hg19) VCF-style: chr22-41573224-C-T.
Other names: c.5431C>T, p.Arg1811Trp (NM_001362843.2); short protein forms R1811W, R1837W.
Identifiers: ClinVar variation 1311881 (VCV001311881.4), dbSNP rs1439243688, ClinGen allele CA411709142.